The following is an entry in ClinVar:

NM_001852.4(COL9A2):c.1943A>C (p.Glu648Ala)

Gene: COL9A2 (collagen type IX alpha 2 chain; minus strand). Cytogenetic location: 1p34.2.
Variant type: single nucleotide variant.
Coding change: c.1943A>C on transcript NM_001852.4 (MANE Select); coding-DNA position 1943, A replaced by C.
Protein change: p.Glu648Ala; replaces glutamic acid 648 with alanine.
Molecular consequence: missense variant.
Genome position (GRCh38, 1-based): chr1:40,301,309, T>G on the plus strand (A>C on the coding strand, the complement: COL9A2 is on the minus strand). VCF-style: chr1-40301309-T-G. GRCh37 (hg19) VCF-style: chr1-40766981-T-G.
Other names: c.1943A>C (NM_001852.3); short protein forms E648A.
Identifiers: ClinVar variation 1941030 (VCV001941030.6), dbSNP rs779177140, ClinGen allele CA791273.
Genomic context (GRCh38, chr1:40,301,309, plus strand): 5'-GCGGCAGGTTCACAGAAGCCCGGCAGCCCCACGGGGCCTGGCAGGCCAGGTCGACCTGCC[T>G]CTCCTGGAGCCCCTGGGGACCCTCGATCTCCATCCTTGCCGTTGATTGCCTGGCCAGGCC-3'
Protein context (NP_001843.1, residues 638-658): GDRGSPGAPG[Glu648Ala]AGRPGLPGPV

ClinVar aggregate classification (germline): Uncertain significance. Review status: criteria provided, multiple submitters, no conflicts (2 of 4 stars). 2 submissions from 2 submitters: Uncertain significance (2). Last evaluated 2025-12-16.

Conditions:
Inborn genetic diseases. Identifiers: MedGen C0950123, MeSH D030342.

Allele frequency attached by ClinVar (database versions not stated): TOPMed below 0.00001; gnomAD 0.00001; gnomAD exomes 0.00001; ExAC 0.00002.
gnomAD v4.1: 18 of 1,612,180 alleles (0.0011%); highest among the groups gnomAD compares: Non-Finnish European, 0.0014%; no homozygotes.

Submissions (2):

Ambry Genetics
Classification: Uncertain significance for Inborn genetic diseases. Last evaluated: 2025-12-16. Review status: criteria provided, single submitter. Criteria: Ambry Variant Classification Scheme 2023. Collection method: clinical testing. Allele origin: germline.

Labcorp Genetics (formerly Invitae), Labcorp
Classification: Uncertain significance. Last evaluated: 2024-02-17. Review status: criteria provided, single submitter. Criteria: Invitae Variant Classification Sherloc (09022015). Collection method: clinical testing. Allele origin: germline.
Comment: This sequence change replaces glutamic acid, which is acidic and polar, with alanine, which is neutral and non-polar, at codon 648 of the COL9A2 protein (p.Glu648Ala). This variant is present in population databases (rs779177140, gnomAD 0.003%). This variant has not been reported in the literature in individuals affected with COL9A2-related conditions. ClinVar contains an entry for this variant (Variation ID: 1941030). Advanced modeling of protein sequence and biophysical properties (such as structural, functional, and spatial information, amino acid conservation, physicochemical variation, residue mobility, and thermodynamic stability) performed at Invitae indicates that this missense variant is not expected to disrupt COL9A2 protein function with a negative predictive value of 95%. In summary, the available evidence is currently insufficient to determine the role of this variant in disease. Therefore, it has been classified as a Variant of Uncertain Significance.